The following is an entry in ClinVar:

NM_001034853.2(RPGR):c.2682_2696del (p.Glu897_Glu901del)

Gene: RPGR (retinitis pigmentosa GTPase regulator; minus strand). Cytogenetic location: Xp11.4.
Variant type: Deletion.
Coding change: c.2682_2696del on transcript NM_001034853.2 (MANE Select); coding-DNA positions 2682 to 2696, 15 bases deleted (GGGAGAAGAGGAGGA).
Protein change: p.Glu897_Glu901del.
Molecular consequence: inframe deletion. On other transcripts: intron variant (8).
Genome position (GRCh38, 1-based): chrX:38,286,303-38,286,317, TCCTCCTCTTCTCCC deleted on the plus strand (GGGAGAAGAGGAGGA on the coding strand, the reverse complement: RPGR is on the minus strand); deleting any 15 consecutive bases within chrX:38,286,303-38,286,320 gives the same sequence; the c. name uses the placement nearest the transcript's 3' end. VCF-style (leftmost placement, unchanged base first): chrX-38286302-TTCCTCCTCTTCTCCC-T. GRCh37 (hg19) VCF-style: chrX-38145555-TTCCTCCTCTTCTCCC-T.
Other names: c.1569+4642_1569+4656del (NM_001367249.1, NM_001367250.1); c.1902+777_1902+791del (NM_001367245.1); c.1386+4642_1386+4656del (NM_001367251.1); c.1719+777_1719+791del (NM_001367246.1); c.1572+4642_1572+4656del (NM_001367247.1); c.1905+777_1905+791del (NM_000328.3); c.1602+4642_1602+4656del (NM_001367248.1).
Identifiers: ClinVar variation 2122197 (VCV002122197.3), dbSNP rs2067161070, ClinGen allele CA2424844576.
Genomic context (GRCh38, chrX:38,286,302, plus strand): 5'-CCCTTCTCCTTCCTCCTCTTCTCCCTCCCCTTCTCCTTCCTCTTCTCCCTCCCCTTCTCC[TTCCTCCTCTTCTCCC>T]TCCCCTTCTCCTTCCTCTTCTCCCTCCCCTTCTCCTTCCTCCTCTTCCCCCTCCCCTTCT-3'

ClinVar aggregate classification (germline): Uncertain significance (1 of 4 stars; one submission).

Conditions:
Primary ciliary dyskinesia. Also called: Ciliary dyskinesia. Identifiers: Orphanet 244, MedGen C0008780, MONDO:0016575, HP:0012265.

Submission:

Labcorp Genetics (formerly Invitae), Labcorp
Classification: Uncertain significance for Primary ciliary dyskinesia. Last evaluated: 2022-04-06. Review status: criteria provided, single submitter. Criteria: Invitae Variant Classification Sherloc (09022015). Collection method: clinical testing. Allele origin: germline.
Comment: In summary, the available evidence is currently insufficient to determine the role of this variant in disease. Therefore, it has been classified as a Variant of Uncertain Significance. Experimental studies and prediction algorithms are not available or were not evaluated, and the functional significance of this variant is currently unknown. This variant has not been reported in the literature in individuals affected with RPGR (ORF15)-related conditions. This variant is not present in population databases (gnomAD no frequency). This variant, c.2682_2696del, results in the deletion of 5 amino acid(s) of the RPGR (ORF15) protein (p.Glu897_Glu901del), but otherwise preserves the integrity of the reading frame.